The following is an entry in ClinVar:

NM_001033855.3(DCLRE1C):c.1313C>T (p.Ala438Val)

Gene: DCLRE1C (DNA cross-link repair 1C; minus strand). Cytogenetic location: 10p13.
Variant type: single nucleotide variant.
Coding change: c.1313C>T on transcript NM_001033855.3 (MANE Select); coding-DNA position 1313, C replaced by T.
Protein change: p.Ala438Val; replaces alanine 438 with valine.
Molecular consequence: missense variant. On other transcripts: non-coding transcript variant (4).
Genome position (GRCh38, 1-based): chr10:14,909,174, G>A on the plus strand (C>T on the coding strand, the complement: DCLRE1C is on the minus strand). VCF-style: chr10-14909174-G-A. GRCh37 (hg19) VCF-style: chr10-14951173-G-A.
Other names: c.953C>T, p.Ala318Val (NM_001033857.3, NM_001033858.3, NM_001289077.2 and 2 more transcripts); c.968C>T, p.Ala323Val (NM_001289076.2, NM_001289078.2, NM_001350966.2 and 1 more transcripts); c.1313C>T, p.Ala438Val (NM_001350965.2); short protein forms A438V, A318V, A323V.
Identifiers: ClinVar variation 1411173 (VCV001411173.5), dbSNP rs766009897, ClinGen allele CA5416503.
Genomic context (GRCh38, chr10:14,909,174, plus strand): 5'-TCACTGTTGGATTCTTCACAATCTACAAAGTTTGTGAAACGAGAGCTCTGCATACACTCT[G>A]CTCTGCAGCATCCTGGGGTTTGTCTCAGTTTTTCAGGCTGCTTTTCTGATACTGCAGTCA-3'
Protein context (NP_001029027.1, residues 428-448): KLRQTPGCCR[Ala438Val]ECMQSSRFTN

ClinVar aggregate classification (germline): Uncertain significance (1 of 4 stars; one submission).

Conditions:
Severe combined immunodeficiency due to DCLRE1C deficiency (RS-SCID). Also called: SCID, AUTOSOMAL RECESSIVE, T CELL-NEGATIVE, B CELL-NEGATIVE, NK CELL-POSITIVE, WITH SENSITIVITY TO IONIZING RADIATION. Identifiers: Orphanet 275, MedGen C1865371, MONDO:0011225, OMIM 602450.

Allele frequency attached by ClinVar (database versions not stated): gnomAD exomes 0.00002; ExAC 0.00002.
gnomAD v4.1: 10 of 1,614,084 alleles (0.00062%); highest among the groups gnomAD compares: Non-Finnish European, 0.00085%; no homozygotes.

Submission:

Labcorp Genetics (formerly Invitae), Labcorp
Classification: Uncertain significance for Athabaskan severe combined immunodeficiency. Last evaluated: 2021-08-26. Review status: criteria provided, single submitter. Criteria: Invitae Variant Classification Sherloc (09022015). Collection method: clinical testing. Allele origin: germline.
Comment: This sequence change replaces alanine with valine at codon 438 of the DCLRE1C protein (p.Ala438Val). The alanine residue is moderately conserved and there is a small physicochemical difference between alanine and valine. This variant is present in population databases (rs766009897, ExAC 0.004%). This variant has not been reported in the literature in individuals affected with DCLRE1C-related conditions. Algorithms developed to predict the effect of missense changes on protein structure and function output the following: SIFT: "Tolerated"; PolyPhen-2: "Benign"; Align-GVGD: "Class C0". The valine amino acid residue is found in multiple mammalian species, which suggests that this missense change does not adversely affect protein function. In summary, the available evidence is currently insufficient to determine the role of this variant in disease. Therefore, it has been classified as a Variant of Uncertain Significance.